The following is an entry in ClinVar:

ClinVar aggregate classification (germline): Conflicting classifications of pathogenicity. Review status: criteria provided, conflicting classifications (1 of 4 stars). 5 submissions from 5 submitters: Uncertain significance (4); Likely benign (1). Last evaluated 2024-10-16.

Conditions:
Familial thoracic aortic aneurysm and aortic dissection (TAAD). Also called: Thoracic aortic aneurysms and dissections. Identifiers: Orphanet 91387, MedGen C4707243, MONDO:0019625.
Adams-Oliver syndrome 5 (AOS5). Identifiers: Orphanet 974, MedGen C4014970, MONDO:0014459, OMIM 616028.
Aortic valve disease 1 (AOVD1). Identifiers: MedGen C3887892, MONDO:0024523, OMIM 109730.

Allele frequency attached by ClinVar (database versions not stated): ExAC below 0.00001; gnomAD 0.00001; gnomAD exomes 0.00002; TOPMed 0.00002; ESP Exome Variant Server 0.00008; 1000 Genomes Project 30x 0.00016; 1000 Genomes Project 0.00020.
gnomAD v4.1: 28 of 1,585,618 alleles (0.0018%); highest among the groups gnomAD compares: Admixed American, 0.0036%; no homozygotes.

Submissions (5):

Labcorp Genetics (formerly Invitae), Labcorp
Classification: Uncertain significance for Adams-Oliver syndrome 5. Last evaluated: 2024-10-16. Review status: criteria provided, single submitter. Criteria: Invitae Variant Classification Sherloc (09022015). Collection method: clinical testing. Allele origin: germline.
Comment: This sequence change replaces arginine, which is basic and polar, with histidine, which is basic and polar, at codon 1523 of the NOTCH1 protein (p.Arg1523His). This variant is present in population databases (rs367589813, gnomAD 0.001%). This variant has not been reported in the literature in individuals affected with NOTCH1-related conditions. ClinVar contains an entry for this variant (Variation ID: 856242). Invitae Evidence Modeling of protein sequence and biophysical properties (such as structural, functional, and spatial information, amino acid conservation, physicochemical variation, residue mobility, and thermodynamic stability) indicates that this missense variant is not expected to disrupt NOTCH1 protein function with a negative predictive value of 80%. In summary, the available evidence is currently insufficient to determine the role of this variant in disease. Therefore, it has been classified as a Variant of Uncertain Significance.

Blueprint Genetics
Classification: Likely benign. Last evaluated: 2024-09-03. Review status: criteria provided, single submitter. Criteria: ACMG Guidelines, 2015. Collection method: clinical testing. Allele origin: germline.

Ambry Genetics
Classification: Uncertain significance for Familial thoracic aortic aneurysm and aortic dissection. Last evaluated: 2024-04-08. Review status: criteria provided, single submitter. Criteria: Ambry Variant Classification Scheme 2023. Collection method: clinical testing. Allele origin: germline.

GeneDx
Classification: Uncertain significance. Last evaluated: 2022-09-08. Review status: criteria provided, single submitter. Criteria: GeneDx Variant Classification Process June 2021. Collection method: clinical testing. Allele origin: germline. Affected: yes.
Comment: Has not been previously published as pathogenic or benign to our knowledge; Not observed at significant frequency in large population cohorts (gnomAD); In silico analysis supports that this missense variant does not alter protein structure/function; This variant is associated with the following publications: (PMID: 31629061)

Fulgent Genetics
Classification: Uncertain significance for Aortic valve disease 1; Adams-Oliver syndrome 5. Last evaluated: 2021-10-04. Review status: criteria provided, single submitter. Criteria: ACMG Guidelines, 2015. Collection method: clinical testing. Allele origin: unknown.

NM_017617.5(NOTCH1):c.4568G>A (p.Arg1523His)

Gene: NOTCH1 (notch receptor 1; minus strand). Cytogenetic location: 9q34.3.
Variant type: single nucleotide variant.
Coding change: c.4568G>A on transcript NM_017617.5 (MANE Select); coding-DNA position 4568, G replaced by A.
Protein change: p.Arg1523His; replaces arginine 1523 with histidine.
Molecular consequence: missense variant.
Genome position (GRCh38, 1-based): chr9:136,505,328, C>T on the plus strand (G>A on the coding strand, the complement: NOTCH1 is on the minus strand). VCF-style: chr9-136505328-C-T. GRCh37 (hg19) VCF-style: chr9-139399780-C-T.
Other names: short protein forms R1523H.
Identifiers: ClinVar variation 856242 (VCV000856242.14), dbSNP rs367589813, ClinGen allele CA5340593.